The following is an entry in ClinVar:

NM_003072.5(SMARCA4):c.1550A>G (p.Lys517Arg)

Gene: SMARCA4 (SWI/SNF related BAF chromatin remodeling complex subunit ATPase 4; plus strand). Cytogenetic location: 19p13.2.
Variant type: single nucleotide variant.
Coding change: c.1550A>G on transcript NM_003072.5 (MANE Select); coding-DNA position 1550, A replaced by G.
Protein change: p.Lys517Arg; replaces lysine 517 with arginine.
Molecular consequence: missense variant. On other transcripts: non-coding transcript variant (1).
Genome position (GRCh38, 1-based): chr19:10,994,958, A>G. VCF-style: chr19-10994958-A-G. GRCh37 (hg19) VCF-style: chr19-11105634-A-G.
Other names: c.1550A>G, p.Lys517Arg (NM_001128844.3, NM_001128845.2, NM_001128846.2 and 4 more transcripts); short protein forms K517R.
Identifiers: ClinVar variation 847842 (VCV000847842.7), dbSNP rs2086887157, ClinGen allele CA404062241.

ClinVar aggregate classification (germline): Uncertain significance (1 of 4 stars; one submission).

Conditions:
Rhabdoid tumor predisposition syndrome 2 (RTPS2). Identifiers: Orphanet 231108, Orphanet 69077, MedGen C2750074, MONDO:0013224, OMIM 613325.

Submission:

Labcorp Genetics (formerly Invitae), Labcorp
Classification: Uncertain significance for Rhabdoid tumor predisposition syndrome 2. Last evaluated: 2023-03-23. Review status: criteria provided, single submitter. Criteria: Invitae Variant Classification Sherloc (09022015). Collection method: clinical testing. Allele origin: germline.
Comment: This sequence change replaces lysine, which is basic and polar, with arginine, which is basic and polar, at codon 517 of the SMARCA4 protein (p.Lys517Arg). This variant is not present in population databases (gnomAD no frequency). This variant has not been reported in the literature in individuals affected with SMARCA4-related conditions. ClinVar contains an entry for this variant (Variation ID: 847842). Advanced modeling of protein sequence and biophysical properties (such as structural, functional, and spatial information, amino acid conservation, physicochemical variation, residue mobility, and thermodynamic stability) has been performed at Invitae for this missense variant, however the output from this modeling did not meet the statistical confidence thresholds required to predict the impact of this variant on SMARCA4 protein function. In summary, the available evidence is currently insufficient to determine the role of this variant in disease. Therefore, it has been classified as a Variant of Uncertain Significance.